The following is an entry in ClinVar:

NM_000548.5(TSC2):c.5148C>T (p.Ala1716=)

Gene: TSC2 (TSC complex subunit 2; plus strand). Cytogenetic location: 16p13.3.
Variant type: single nucleotide variant.
Coding change: c.5148C>T on transcript NM_000548.5 (MANE Select); coding-DNA position 5148, C replaced by T.
Protein change: p.Ala1716=; no amino-acid change (alanine 1716 retained).
Molecular consequence: synonymous variant.
Genome position (GRCh38, 1-based): chr16:2,088,127, C>T. VCF-style: chr16-2088127-C-T. GRCh37 (hg19) VCF-style: chr16-2138128-C-T.
Other names: c.4947C>T, p.Ala1649= (NM_001077183.3); c.5079C>T, p.Ala1693= (NM_001114382.3); c.4839C>T, p.Ala1613= (NM_001318827.2); c.4803C>T, p.Ala1601= (NM_001318829.2); c.4416C>T, p.Ala1472= (NM_001318831.2); c.4980C>T, p.Ala1660= (NM_001318832.2); c.4950C>T, p.Ala1650= (NM_001363528.2); c.5016C>T, p.Ala1672= (NM_001370404.1); and 1 more.
Identifiers: ClinVar variation 49885 (VCV000049885.10), dbSNP rs45482604, ClinGen allele CA021877.

ClinVar aggregate classification (germline): Benign/Likely benign. Review status: criteria provided, multiple submitters, no conflicts (2 of 4 stars). 4 submissions from 4 submitters: Benign (1); Likely benign (2). 1 of the submissions does not count toward it. Last evaluated 2025-06-06.

Conditions:
Hereditary cancer-predisposing syndrome. Also called: Neoplastic Syndromes, Hereditary; Tumor predisposition; Hereditary Cancer Syndrome; Hereditary neoplastic syndrome. Identifiers: Orphanet 140162, MedGen C0027672, MeSH D009386, MONDO:0015356.
Tuberous sclerosis syndrome (TSC). Also called: Tuberous Sclerosis Complex; Tuberous sclerosis. Identifiers: Orphanet 805, MedGen C0041341, MONDO:0001734.
Tuberous sclerosis 2 (TSC2). Identifiers: Orphanet 805, MedGen C1860707, MONDO:0013199, OMIM 613254.

Allele frequency attached by ClinVar (database versions not stated): gnomAD exomes below 0.00001.
gnomAD v4.1: 1 of 1,612,986 alleles (0.000062%); highest among the groups gnomAD compares: South Asian, 0.0011%; no homozygotes.

Submissions (4):

Myriad Genetics, Inc.
Classification: Benign for Tuberous sclerosis 2. Last evaluated: 2025-06-06. Review status: criteria provided, single submitter. Criteria: Myriad Autosomal Dominant, Autosomal Recessive and X-Linked Classification Criteria (2023). Collection method: clinical testing. Allele origin: unknown.
Comment: This variant is considered benign. This variant is a silent/synonymous amino acid change and it is not expected to impact splicing.

Ambry Genetics
Classification: Likely benign for Hereditary cancer-predisposing syndrome. Last evaluated: 2025-03-31. Review status: criteria provided, single submitter. Criteria: Ambry Variant Classification Scheme 2023. Collection method: clinical testing. Allele origin: germline.

Labcorp Genetics (formerly Invitae), Labcorp
Classification: Likely benign for Tuberous sclerosis 2. Last evaluated: 2022-03-08. Review status: criteria provided, single submitter. Criteria: Invitae Variant Classification Sherloc (09022015). Collection method: clinical testing. Allele origin: germline.

Tuberous sclerosis database (TSC2)
No classification provided. Condition: TSC. Review status: no classification provided. Criteria: Tuberous Sclerosis Database Assertion Criteria 2015. Collection method: curation. Allele origin: germline. Affected: yes. Not counted in ClinVar's aggregate classification.